The following is an entry in ClinVar:

ClinVar aggregate classification (germline): Benign. Review status: criteria provided, multiple submitters, no conflicts (2 of 4 stars). 2 submissions from 2 submitters: Benign (2). Last evaluated 2026-09-01.

Allele frequency attached by ClinVar (database versions not stated): 1000 Genomes Project 30x 0.00219; 1000 Genomes Project 0.00220; TOPMed 0.00564; gnomAD 0.00605 and 0.00633; gnomAD exomes 0.00639 and 0.00954; ExAC 0.00702; ESP Exome Variant Server 0.00806.
gnomAD v4.1: 14,840 of 1,613,722 alleles (0.92%); highest among the groups gnomAD compares: Non-Finnish European, 1.1%; 84 homozygotes.

Submissions (2):

CeGaT Center for Human Genetics Tuebingen
Classification: Benign. Last evaluated: 2026-09-01. Review status: criteria provided, single submitter. Criteria: CeGaT Center For Human Genetics Tuebingen Variant Classification Criteria Version 2. Collection method: clinical testing. Allele origin: germline. Affected: yes. Observed: 18 variant alleles.
Comment: ROBO1: BP4, BP7, BS1, BS2

Labcorp Genetics (formerly Invitae), Labcorp
Classification: Benign. Last evaluated: 2026-02-01. Review status: criteria provided, single submitter. Criteria: Invitae Variant Classification Sherloc (09022015). Collection method: clinical testing. Allele origin: germline.

NM_002941.4(ROBO1):c.699T>C (p.Ser233=)

Gene: ROBO1 (roundabout guidance receptor 1; minus strand). Cytogenetic location: 3p12.3.
Variant type: single nucleotide variant.
Coding change: c.699T>C on transcript NM_002941.4 (MANE Select); coding-DNA position 699, T replaced by C.
Protein change: p.Ser233=; no amino-acid change (serine 233 retained).
Molecular consequence: synonymous variant.
Genome position (GRCh38, 1-based): chr3:78,717,842, A>G on the plus strand (T>C on the coding strand, the complement: ROBO1 is on the minus strand). VCF-style: chr3-78717842-A-G. GRCh37 (hg19) VCF-style: chr3-78766992-A-G.
Other names: c.582T>C, p.Ser194= (NM_001145845.2, NM_133631.4).
Identifiers: ClinVar variation 712462 (VCV000712462.32), dbSNP rs181295394, ClinGen allele CA2499179.